The following is an entry in ClinVar:

ClinVar aggregate classification (germline): Uncertain significance (1 of 4 stars; one submission).

Conditions:
Inborn genetic diseases. Identifiers: MedGen C0950123, MeSH D030342.

Allele frequency attached by ClinVar (database versions not stated): gnomAD exomes below 0.00001; ExAC 0.00001.
gnomAD v4.1: 2 of 1,613,906 alleles (0.00012%); highest among the groups gnomAD compares: Non-Finnish European, 0.00017%; no homozygotes.

Submission:

Ambry Genetics
Classification: Uncertain significance for Inborn genetic diseases. Last evaluated: 2025-02-06. Review status: criteria provided, single submitter. Criteria: Ambry Variant Classification Scheme 2023. Collection method: clinical testing. Allele origin: germline.
Comment: The p.N227S variant (also known as c.680A>G), located in coding exon 6 of the CASQ1 gene, results from an A to G substitution at nucleotide position 680. The asparagine at codon 227 is replaced by serine, an amino acid with highly similar properties. This amino acid position is conserved. In addition, this alteration is predicted to be tolerated by in silico analysis. Based on the available evidence, the clinical significance of this variant remains unclear.

NM_001231.5(CASQ1):c.680A>G (p.Asn227Ser)

Gene: CASQ1 (calsequestrin 1; plus strand). Cytogenetic location: 1q23.2.
Variant type: single nucleotide variant.
Coding change: c.680A>G on transcript NM_001231.5 (MANE Select); coding-DNA position 680, A replaced by G.
Protein change: p.Asn227Ser; replaces asparagine 227 with serine.
Molecular consequence: missense variant.
Genome position (GRCh38, 1-based): chr1:160,195,925, A>G. VCF-style: chr1-160195925-A-G. GRCh37 (hg19) VCF-style: chr1-160165715-A-G.
Other names: short protein forms N227S.
Identifiers: ClinVar variation 3137669 (VCV003137669.2), dbSNP rs772513764, ClinGen allele CA1196298.
Genomic context (GRCh38, chr1:160,195,925, plus strand): 5'-GCTCCACTCCCCTCCTACCCCCTCTCCCAAAGGTGGCAAAGAAGCTGACCCTGAAGCTGA[A>G]TGAGATTGATTTCTACGAGGCCTTCATGGAAGAGCCTGTGACCATCCCAGACAAGCCCAA-3'
Protein context (NP_001222.3, residues 217-237): KVAKKLTLKL[Asn227Ser]EIDFYEAFME